The following is an entry in ClinVar:

ClinVar aggregate classification (germline): Pathogenic (1 of 4 stars; one submission).

Submission:

Quest Diagnostics Nichols Institute San Juan Capistrano
Classification: Pathogenic. Last evaluated: 2024-02-29. Review status: criteria provided, single submitter. Criteria: ACMG/ClinGen CNV Guidelines, 2019. Collection method: clinical testing. Allele origin: unknown.
Comment: This copy number loss involves gene SHOX (OMIM 312865). The phenotypic spectrum caused by haploinsufficiency of the SHOX gene ranges from Leri-Weill dyschondrosteosis (LWD; OMIM 127300) to idiopathic familial short stature (OMIM 300582; Binder 2018). A deletion similar to the current interval was reported in a fetus with cardiac ultrasound abnormalities, who was later reported as phenotypically unaffected (Cai 2023). There are no similar copy number losses of this region in the general populations of the Database of Genomic Variants. Therefore, based on gene content and current medical literature, this CNV is classified as pathogenic. References: Binder, et al., GeneReviews [2018 Jun 28]. PMID: 20301394; Cai et al., J Perinat Med. 2023 Oct 18;52(1):96-101. PMID: 37846158

GRCh37/hg19 Yp11.32(chrY:118547-1190319)x1

Variant type: copy number loss.
Change: copy number 1 of chrY:118,547-1,190,319 (1.07 Mb, GRCh37 coordinates, 1-based), cytogenetic band Yp11.32.
Identifiers: ClinVar variation 3391961 (VCV003391961.1).